The following is an entry in ClinVar:

NM_006005.3(WFS1):c.1308C>T (p.Thr436=)

Gene: WFS1 (wolframin ER transmembrane glycoprotein; plus strand). Cytogenetic location: 4p16.1.
Variant type: single nucleotide variant.
Coding change: c.1308C>T on transcript NM_006005.3 (MANE Select); coding-DNA position 1308, C replaced by T.
Protein change: p.Thr436=; no amino-acid change (threonine 436 retained).
Molecular consequence: synonymous variant.
Genome position (GRCh38, 1-based): chr4:6,301,103, C>T. VCF-style: chr4-6301103-C-T. GRCh37 (hg19) VCF-style: chr4-6302830-C-T.
Other names: p.T436T:ACC>ACT; p.Thr436=; c.1308C>T, p.Thr436= (NM_001145853.1).
Identifiers: ClinVar variation 45433 (VCV000045433.68), dbSNP rs71539646, ClinGen allele CA282570.

ClinVar aggregate classification (germline): Benign/Likely benign. Review status: criteria provided, multiple submitters, no conflicts (2 of 4 stars). 15 submissions from 14 submitters: Benign (11); Likely benign (1). 3 of the submissions do not count toward it. Last evaluated 2026-09-01.

Conditions:
WFS1-Related Spectrum Disorders.
Autosomal dominant nonsyndromic hearing loss 6 (LFSNHL). Also called: Autosomal dominant nonsyndromic deafness 6; DEAFNESS, AUTOSOMAL DOMINANT 14; DEAFNESS, AUTOSOMAL DOMINANT 38; DEAFNESS, AUTOSOMAL DOMINANT 6. Identifiers: Orphanet 90635, MedGen C1833021, MONDO:0010963, OMIM 600965.
Wolfram syndrome 1 (WFS1). Identifiers: Orphanet 3463, MedGen C4551693, MONDO:0009101, OMIM 222300.

Allele frequency attached by ClinVar (database versions not stated): ESP Exome Variant Server 0.00853; 1000 Genomes Project 0.00419; 1000 Genomes Project 30x 0.00437; TOPMed 0.00641; gnomAD 0.00767 and 0.00773.
gnomAD v4.1: 15,745 of 1,613,876 alleles (0.98%); highest among the groups gnomAD compares: Non-Finnish European, 1.2%; 102 homozygotes.

Submissions (15):

CeGaT Center for Human Genetics Tuebingen
Classification: Benign. Last evaluated: 2026-09-01. Review status: criteria provided, single submitter. Criteria: CeGaT Center For Human Genetics Tuebingen Variant Classification Criteria Version 2. Collection method: clinical testing. Allele origin: germline. Affected: yes. Observed: 57 variant alleles.
Comment: WFS1: BP4, BP7, BS1, BS2

Labcorp Genetics (formerly Invitae), Labcorp
Classification: Benign. Last evaluated: 2026-02-03. Review status: criteria provided, single submitter. Criteria: Invitae Variant Classification Sherloc (09022015). Collection method: clinical testing. Allele origin: germline.

ARUP Laboratories, Molecular Genetics and Genomics, ARUP Laboratories
Classification: Benign. Last evaluated: 2025-05-01. Review status: criteria provided, single submitter. Criteria: ARUP Molecular Germline Variant Investigation Process 2024. Collection method: clinical testing. Allele origin: germline.

Blueprint Genetics
Classification: Likely benign. Last evaluated: 2024-11-26. Review status: criteria provided, single submitter. Criteria: ACMG Guidelines, 2015. Collection method: clinical testing. Allele origin: germline.

Mayo Clinic Laboratories, Mayo Clinic
Classification: Benign. Last evaluated: 2023-11-13. Review status: criteria provided, single submitter. Criteria: ACMG Guidelines, 2015. Collection method: clinical testing. Allele origin: germline. Observed: 21 variant alleles.
Comment: BS1, BS2, BP4, BP7

Athena Diagnostics
Classification: Benign. Last evaluated: 2019-02-13. Review status: criteria provided, single submitter. Criteria: Athena Diagnostics Criteria. Collection method: clinical testing. Allele origin: germline.

Illumina Laboratory Services, Illumina
Classification: Benign for Autosomal dominant nonsyndromic hearing loss 6. Last evaluated: 2018-01-13. Review status: criteria provided, single submitter. Criteria: ICSL Variant Classification Criteria 13 December 2019. Collection method: clinical testing. Allele origin: germline.
Comment: This variant was observed in the ICSL laboratory as part of a predisposition screen in an ostensibly healthy population. It had not been previously curated by ICSL or reported in the Human Gene Mutation Database (HGMD: prior to June 1st, 2018), and was therefore a candidate for classification through an automated scoring system. Utilizing variant allele frequency, disease prevalence and penetrance estimates, and inheritance mode, an automated score was calculated to assess if this variant is too frequent to cause the disease. Based on the score and internal cut-off values, a variant classified as benign is not then subjected to further curation. The score for this variant resulted in a classification of benign for this disease.

Illumina Laboratory Services, Illumina
Classification: Benign for WFS1-Related Spectrum Disorders. Last evaluated: 2018-01-13. Review status: criteria provided, single submitter. Criteria: ICSL Variant Classification Criteria 13 December 2019. Collection method: clinical testing. Allele origin: germline.
Comment: the same text as in the submission from Illumina Laboratory Services, Illumina above.

Laboratory for Molecular Medicine, Mass General Brigham Personalized Medicine
Classification: Benign. Last evaluated: 2012-04-30. Review status: criteria provided, single submitter. Criteria: LMM Criteria. Collection method: clinical testing. Allele origin: germline. Observed: 24 variant alleles.
Comment: Thr436Thr in Exon 08 of WFS1: This variant is not expected to have clinical sign ificance because it does not alter an amino acid residue, is not located within the splice consensus sequence, and has been identified in 1.2% (86/7020) of Euro pean American chromosomes from a broad population by the NHLBI Exome Sequencing Project (dbSNP rs71539646).

GeneDx
Classification: Benign. Last evaluated: 2012-04-18. Review status: criteria provided, single submitter. Criteria: GeneDx Variant Classification (06012015). Collection method: clinical testing. Allele origin: germline. Affected: yes.
Comment: This variant is considered likely benign or benign based on one or more of the following criteria: it is a conservative change, it occurs at a poorly conserved position in the protein, it is predicted to be benign by multiple in silico algorithms, and/or has population frequency not consistent with disease.

Clinical Genomics, Uppaluri K&H Personalized Medicine Clinic
Classification: Benign for Wolfram syndrome 1. Review status: criteria provided, single submitter. Criteria: K & H Uppaluri Personalized Medicine Clinic Variant Classification & Assertion Criteria_Updated V.1. Collection method: research. Allele origin: unknown. Inheritance: Autosomal recessive inheritance.
Comment: Potent mutations in WFS1 gene are associated with Wolfram's syndrome, an autosomal recessive condition, which cause diabetes mellitus, diabetes insipidus, deafness and optic atrophy. However no sufficient evidence is found to ascertain the role of this particular variant rs71539646 in Wolfram's syndrome yet.

PreventionGenetics, part of Exact Sciences
Classification: Benign. Review status: criteria provided, single submitter. Criteria: ACMG Guidelines, 2015. Collection method: clinical testing. Allele origin: germline.

Clinical Genetics DNA and cytogenetics Diagnostics Lab, Erasmus MC, Erasmus Medical Center
Classification: Likely benign. Review status: no assertion criteria provided. Collection method: clinical testing. Allele origin: germline. Affected: yes. Study: VKGL Data-share Consensus. Not counted in ClinVar's aggregate classification.

Joint Genome Diagnostic Labs from Nijmegen and Maastricht, Radboudumc and MUMC+
Classification: Benign. Review status: no assertion criteria provided. Collection method: clinical testing. Allele origin: germline. Affected: yes. Study: VKGL Data-share Consensus. Not counted in ClinVar's aggregate classification.

Laboratory of Diagnostic Genome Analysis, Leiden University Medical Center (LUMC)
Classification: Likely benign. Review status: no assertion criteria provided. Collection method: clinical testing. Allele origin: germline. Affected: yes. Study: VKGL Data-share Consensus. Not counted in ClinVar's aggregate classification.

Literature cited by the submitters: PubMed 12107816 (cited by Athena Diagnostics); PubMed 20738327 (cited by Clinical Genomics, Uppaluri K&H Personalized Medicine Clinic); PubMed 33879153 (cited by Clinical Genomics, Uppaluri K&H Personalized Medicine Clinic); PubMed 12955714 (cited by Clinical Genomics, Uppaluri K&H Personalized Medicine Clinic); PubMed 18060660 (cited by Clinical Genomics, Uppaluri K&H Personalized Medicine Clinic); PubMed 20301750 (cited by Clinical Genomics, Uppaluri K&H Personalized Medicine Clinic); PubMed 17603484 (cited by Clinical Genomics, Uppaluri K&H Personalized Medicine Clinic).